The following is an entry in ClinVar:

NM_001379610.1(SPINK1):c.56-91_56-90del

Gene: SPINK1 (serine peptidase inhibitor Kazal type 1; minus strand). Cytogenetic location: 5q32.
Variant type: Microsatellite.
Coding change: c.56-91_56-90del on transcript NM_001379610.1 (MANE Select); 91 bases into the intron before coding-DNA position 56 through 90 bases into the intron before coding-DNA position 56, 2 bases deleted (CA; older notation c.56-91_56-90delCA).
Molecular consequence: intron variant.
Genome position (GRCh38, 1-based): chr5:147,829,720-147,829,721, TG deleted on the plus strand (CA on the coding strand, the reverse complement: SPINK1 is on the minus strand); deleting any 2 consecutive bases within chr5:147,829,720-147,829,723 gives the same sequence; the c. name uses the placement nearest the transcript's 3' end. VCF-style (leftmost placement, unchanged base first): chr5-147829719-CTG-C. GRCh37 (hg19) VCF-style: chr5-147209282-CTG-C.
Other names: c.56-91_56-90del (NM_003122.5, NM_001354966.2); c.56-91_56-90delCA (NM_003122.4).
Identifiers: ClinVar variation 2503994 (VCV002503994.1), dbSNP rs770380164, ClinGen allele CA129690192.
Genomic context (GRCh38, chr5:147,829,719, plus strand): 5'-GGTCCTAAATGAAAGAAGTCAGATCTATTCTTCATCAGAATTCTCTGCTTTCATTGCAGA[CTG>C]TGACTTCTTTACTAGGCTCTTTCATTCCCCACCCTTTCTGATTTCTCTAATCTTCCAAAA-3'

ClinVar aggregate classification (germline): Uncertain significance (1 of 4 stars; one submission).

Submission:

Women's Health and Genetics/Laboratory Corporation of America, LabCorp
Classification: Uncertain significance. Last evaluated: 2023-04-18. Review status: criteria provided, single submitter. Criteria: LabCorp Variant Classification Summary - May 2015. Collection method: clinical testing. Allele origin: germline.
Comment: Variant summary: SPINK1 c.56-91_56-90delCA is located at a position not widely known to affect splicing. 4/4 computational tools predict no significant impact on normal splicing. However, these predictions have yet to be confirmed by functional studies. The variant was absent in 31406 control chromosomes. The available data on variant occurrences in the general population are insufficient to allow any conclusion about variant significance. To our knowledge, no occurrence of c.56-91_56-90delCA in individuals affected with Chronic Pancreatitis Risk and no experimental evidence demonstrating its impact on protein function have been reported. No clinical diagnostic laboratories have submitted clinical-significance assessments for this variant to ClinVar after 2014. Based on the evidence outlined above, the variant was classified as uncertain significance.